The following is an entry in ClinVar:

ClinVar aggregate classification (germline): Likely benign. Review status: criteria provided, single submitter (1 of 4 stars). 2 submissions from 2 submitters: Likely benign (1). 1 of the submissions does not count toward it. Last evaluated 2025-05-27.

Conditions:
Familial cardiomyopathy. Identifiers: MedGen C0264789, MONDO:0005217.
Hypertrophic cardiomyopathy. Also called: HYPERTROPHIC MYOCARDIOPATHY. Identifiers: Orphanet 217569, MedGen C0007194, MeSH D002312, MONDO:0005045, HP:0001639.

Submissions (2):

Labcorp Genetics (formerly Invitae), Labcorp
Classification: Likely benign for Hypertrophic cardiomyopathy. Last evaluated: 2025-05-27. Review status: criteria provided, single submitter. Criteria: Invitae Variant Classification Sherloc (09022015). Collection method: clinical testing. Allele origin: germline.

Evolutionary and Medical Genetics Laboratory,  Centre for Cellular and Molecular Biology
Classification: Uncertain significance. Review status: no assertion criteria provided. Collection method: not provided. Allele origin: unknown. Not counted in ClinVar's aggregate classification.
ClinVar note: Converted during submission from unknown to Uncertain significance.

NM_000257.4(MYH7):c.2163-18G>A

Gene: MYH7 (myosin heavy chain 7; minus strand). Cytogenetic location: 14q11.2.
Variant type: single nucleotide variant.
Coding change: c.2163-18G>A on transcript NM_000257.4 (MANE Select); 18 bases into the intron before coding-DNA position 2163, G replaced by A.
Molecular consequence: intron variant.
Genome position (GRCh38, 1-based): chr14:23,425,836, C>T on the plus strand (G>A on the coding strand, the complement: MYH7 is on the minus strand). VCF-style: chr14-23425836-C-T. GRCh37 (hg19) VCF-style: chr14-23895045-C-T.
Identifiers: ClinVar variation 132915 (VCV000132915.6), dbSNP rs606231333, ClinGen allele CA011815.